The following is an entry in ClinVar:

ClinVar aggregate classification (germline): Conflicting classifications of pathogenicity. Review status: criteria provided, conflicting classifications (1 of 4 stars). 2 submissions from 2 submitters: Uncertain significance (1); Likely benign (1). Last evaluated 2024-03-30.

Conditions:
Inborn genetic diseases. Identifiers: MedGen C0950123, MeSH D030342.

Submissions (2):

Ambry Genetics
Classification: Likely benign for Inborn genetic diseases. Last evaluated: 2024-03-30. Review status: criteria provided, single submitter. Criteria: Ambry Variant Classification Scheme 2023. Collection method: clinical testing. Allele origin: germline.

Labcorp Genetics (formerly Invitae), Labcorp
Classification: Uncertain significance. Last evaluated: 2022-10-04. Review status: criteria provided, single submitter. Criteria: Invitae Variant Classification Sherloc (09022015). Collection method: clinical testing. Allele origin: germline.
Comment: In summary, the available evidence is currently insufficient to determine the role of this variant in disease. Therefore, it has been classified as a Variant of Uncertain Significance. Advanced modeling of protein sequence and biophysical properties (such as structural, functional, and spatial information, amino acid conservation, physicochemical variation, residue mobility, and thermodynamic stability) performed at Invitae indicates that this missense variant is not expected to disrupt USH2A protein function. ClinVar contains an entry for this variant (Variation ID: 1042617). This variant has not been reported in the literature in individuals affected with USH2A-related conditions. This variant is not present in population databases (gnomAD no frequency). This sequence change replaces threonine, which is neutral and polar, with alanine, which is neutral and non-polar, at codon 3389 of the USH2A protein (p.Thr3389Ala).

NM_206933.4(USH2A):c.10165A>G (p.Thr3389Ala)

Gene: USH2A (usherin; minus strand). Cytogenetic location: 1q41.
Variant type: single nucleotide variant.
Coding change: c.10165A>G on transcript NM_206933.4 (MANE Select); coding-DNA position 10165, A replaced by G.
Protein change: p.Thr3389Ala; replaces threonine 3389 with alanine.
Molecular consequence: missense variant.
Genome position (GRCh38, 1-based): chr1:215,790,076, T>C on the plus strand (A>G on the coding strand, the complement: USH2A is on the minus strand). VCF-style: chr1-215790076-T-C. GRCh37 (hg19) VCF-style: chr1-215963418-T-C.
Other names: c.10165A>G (NM_206933.2); short protein forms T3389A.
Identifiers: ClinVar variation 1042617 (VCV001042617.9), dbSNP rs1341186496, ClinGen allele CA344843329.